The following is an entry in ClinVar:

ClinVar aggregate classification (germline): Uncertain significance. Review status: criteria provided, multiple submitters, no conflicts (2 of 4 stars). 3 submissions from 3 submitters: Uncertain significance (3). Last evaluated 2022-11-04.

Conditions:
Hereditary cancer-predisposing syndrome. Also called: Tumor predisposition; Hereditary neoplastic syndrome; Neoplastic Syndromes, Hereditary; Hereditary Cancer Syndrome. Identifiers: Orphanet 140162, MedGen C0027672, MeSH D009386, MONDO:0015356.
Breast-ovarian cancer, familial, susceptibility to, 3. Also called: RAD51C-Related Breast/Ovarian Cancer. Identifiers: Orphanet 145, MedGen C3150659, MONDO:0013253, OMIM 613399.

Submissions (3):

Ambry Genetics
Classification: Uncertain significance for Hereditary cancer-predisposing syndrome. Last evaluated: 2022-11-04. Review status: criteria provided, single submitter. Criteria: Ambry Variant Classification Scheme 2023. Collection method: clinical testing. Allele origin: germline.
Comment: The p.E122D variant (also known as c.366A>C), located in coding exon 2 of the RAD51C gene, results from an A to C substitution at nucleotide position 366. The glutamic acid at codon 122 is replaced by aspartic acid, an amino acid with highly similar properties. This amino acid position is conserved. In addition, this alteration is predicted to be deleterious by in silico analysis. Since supporting evidence is limited at this time, the clinical significance of this alteration remains unclear.

Institute for Clinical Genetics, University Hospital TU Dresden, University Hospital TU Dresden
Classification: Uncertain significance. Last evaluated: 2021-11-03. Review status: criteria provided, single submitter. Criteria: ACMG Guidelines, 2015. Collection method: clinical testing. Allele origin: germline.

Institute of Human Genetics, University of Leipzig Medical Center
Classification: Uncertain significance for Breast-ovarian cancer, familial, susceptibility to, 3. Last evaluated: 2020-10-06. Review status: criteria provided, single submitter. Criteria: ACMG Guidelines, 2015. Collection method: clinical testing. Allele origin: unknown. Affected: yes.

NM_058216.3(RAD51C):c.366A>C (p.Glu122Asp)

Gene: RAD51C (RAD51 paralog C; plus strand). Cytogenetic location: 17q22.
Variant type: single nucleotide variant.
Coding change: c.366A>C on transcript NM_058216.3 (MANE Select); coding-DNA position 366, A replaced by C.
Protein change: p.Glu122Asp; replaces glutamic acid 122 with aspartic acid.
Molecular consequence: missense variant. On other transcripts: non-coding transcript variant (2).
Genome position (GRCh38, 1-based): chr17:58,695,151, A>C. VCF-style: chr17-58695151-A-C. GRCh37 (hg19) VCF-style: chr17-56772512-A-C.
Other names: c.366A>C (NM_058216.2, NM_058216.1); c.366A>C, p.Glu122Asp (NM_002876.4); short protein forms E122D.
Identifiers: ClinVar variation 1285396 (VCV001285396.6), dbSNP rs2143726420, ClinGen allele CA400341754.